The following is an entry in ClinVar:

ClinVar aggregate classification (germline): Likely benign (1 of 4 stars; one submission).

Allele frequency attached by ClinVar (database versions not stated): gnomAD exomes 0.00002; gnomAD 0.00008; 1000 Genomes Project 30x 0.00016; 1000 Genomes Project 0.00020.

Submission:

CeGaT Center for Human Genetics Tuebingen
Classification: Likely benign. Last evaluated: 2022-04-01. Review status: criteria provided, single submitter. Criteria: CeGaT Center For Human Genetics Tuebingen Variant Classification Criteria Version 2. Collection method: clinical testing. Allele origin: germline. Affected: yes. Observed: 2 variant alleles.
Comment: MUC19: BP4, BP7

NC_000012.12:g.40486351T>G

Gene: MUC19 (mucin 19, oligomeric (gene/pseudogene); plus strand). Cytogenetic location: 12q12.
Variant type: single nucleotide variant.
Genome position: GRCh38 VCF-style: chr12-40486351-T-G. GRCh37 (hg19) VCF-style: chr12-40880153-T-G.
Identifiers: ClinVar variation 2642872 (VCV002642872.24), dbSNP rs542552030, ClinGen allele CA235376490.
Genomic context (GRCh38, chr12:40,486,351, plus strand): 5'-AGGAATAACAGGTACAAATGGACAATCAGCTGAAGTGACATGGATAACTGGACCATTAGC[T>G]GGAGTGACAGGGACAACTGGAATATCAGCTGGGGTGACAGGGACAACTGGACTGTCAGCT-3'